The following is an entry in ClinVar:

NM_006915.3(RP2):c.488G>A (p.Gly163Glu)

Gene: RP2 (RP2 activator of ARL3 GTPase; plus strand). Cytogenetic location: Xp11.3.
Variant type: single nucleotide variant.
Coding change: c.488G>A on transcript NM_006915.3 (MANE Select); coding-DNA position 488, G replaced by A.
Protein change: p.Gly163Glu; replaces glycine 163 with glutamic acid.
Molecular consequence: missense variant.
Genome position (GRCh38, 1-based): chrX:46,853,861, G>A. VCF-style: chrX-46853861-G-A. GRCh37 (hg19) VCF-style: chrX-46713296-G-A.
Other names: short protein forms G163E.
Identifiers: ClinVar variation 1210565 (VCV001210565.4), dbSNP rs868918275, ClinGen allele CA413040046.

ClinVar aggregate classification (germline): Uncertain significance. Review status: criteria provided, multiple submitters, no conflicts (2 of 4 stars). 2 submissions from 2 submitters: Uncertain significance (2). Last evaluated 2020-09-30.

Allele frequency attached by ClinVar (database versions not stated): gnomAD exomes below 0.00001; gnomAD 0.00001.

Submissions (2):

Blueprint Genetics
Classification: Uncertain significance. Last evaluated: 2020-09-30. Review status: criteria provided, single submitter. Criteria: ACMG Guidelines, 2015. Collection method: clinical testing. Allele origin: germline.

GeneDx
Classification: Uncertain significance. Last evaluated: 2019-07-31. Review status: criteria provided, single submitter. Criteria: GeneDx Variant Classification Process June 2021. Collection method: clinical testing. Allele origin: germline. Affected: yes.
Comment: In silico analysis, which includes protein predictors and evolutionary conservation, supports a deleterious effect; This variant is associated with the following publications: (PMID: 28981474)